The following is an entry in ClinVar:

ClinVar aggregate classification (germline): Uncertain significance (1 of 4 stars; one submission).

Conditions:
RASopathy. Also called: rasopathies; Noonan spectrum disorder. Identifiers: Orphanet 536391, MedGen C5555857, MONDO:0021060.

Submission:

Labcorp Genetics (formerly Invitae), Labcorp
Classification: Uncertain significance for RASopathy. Last evaluated: 2024-08-29. Review status: criteria provided, single submitter. Criteria: Invitae Variant Classification Sherloc (09022015). Collection method: clinical testing. Allele origin: germline.
Comment: This sequence change replaces threonine, which is neutral and polar, with alanine, which is neutral and non-polar, at codon 356 of the CBL protein (p.Thr356Ala). This variant is not present in population databases (gnomAD no frequency). This variant has not been reported in the literature in individuals affected with CBL-related conditions. Invitae Evidence Modeling of protein sequence and biophysical properties (such as structural, functional, and spatial information, amino acid conservation, physicochemical variation, residue mobility, and thermodynamic stability) has been performed for this missense variant. However, the output from this modeling did not meet the statistical confidence thresholds required to predict the impact of this variant on CBL protein function. In summary, the available evidence is currently insufficient to determine the role of this variant in disease. Therefore, it has been classified as a Variant of Uncertain Significance.

NM_005188.4(CBL):c.1066A>G (p.Thr356Ala)

Gene: CBL (Cbl proto-oncogene; plus strand). Cytogenetic location: 11q23.3.
Variant type: single nucleotide variant.
Coding change: c.1066A>G on transcript NM_005188.4 (MANE Select); coding-DNA position 1066, A replaced by G.
Protein change: p.Thr356Ala; replaces threonine 356 with alanine.
Molecular consequence: missense variant.
Genome position (GRCh38, 1-based): chr11:119,277,815, A>G. VCF-style: chr11-119277815-A-G. GRCh37 (hg19) VCF-style: chr11-119148525-A-G.
Other names: short protein forms T356A.
Identifiers: ClinVar variation 3634386 (VCV003634386.2).